The following is an entry in ClinVar:

ClinVar aggregate classification (germline): Uncertain significance. Review status: criteria provided, multiple submitters, no conflicts (2 of 4 stars). 3 submissions from 3 submitters: Uncertain significance (2). 1 of the submissions does not count toward it. Last evaluated 2022-02-22.

Conditions:
Familial Mediterranean fever (FMF). Also called: POLYSEROSITIS, FAMILIAL PAROXYSMAL; POLYSEROSITIS, RECURRENT; Periodic peritonitis; Benign paroxysmal peritonitis. Identifiers: Orphanet 342, MedGen C0031069, MONDO:0018088, OMIM 249100. Disease mechanism: gain of function.

Allele frequency attached by ClinVar (database versions not stated): TOPMed 0.00008.
gnomAD v4.1: 24 of 1,588,712 alleles (0.0015%); highest among the groups gnomAD compares: African/African-American, 0.02%; no homozygotes.

Submissions (3):

Labcorp Genetics (formerly Invitae), Labcorp
Classification: Uncertain significance for Familial Mediterranean fever. Last evaluated: 2022-02-22. Review status: criteria provided, single submitter. Criteria: Invitae Variant Classification Sherloc (09022015). Collection method: clinical testing. Allele origin: germline.
Comment: This sequence change replaces glutamic acid, which is acidic and polar, with aspartic acid, which is acidic and polar, at codon 195 of the MEFV protein (p.Glu195Asp). This variant is present in population databases (rs200766991, gnomAD 0.02%). This variant has not been reported in the literature in individuals affected with MEFV-related conditions. ClinVar contains an entry for this variant (Variation ID: 995595). Algorithms developed to predict the effect of missense changes on protein structure and function (SIFT, PolyPhen-2, Align-GVGD) all suggest that this variant is likely to be tolerated. In summary, the available evidence is currently insufficient to determine the role of this variant in disease. Therefore, it has been classified as a Variant of Uncertain Significance.

ARUP Laboratories, Molecular Genetics and Genomics, ARUP Laboratories
Classification: Uncertain significance. Last evaluated: 2019-08-20. Review status: criteria provided, single submitter. Criteria: ARUP Molecular Germline Variant Investigation Process. Collection method: clinical testing. Allele origin: germline.
Comment: The MEFV c.585G>C; p.Glu195Asp variant (rs200766991), to our knowledge, is not reported in the medical literature but is reported in the Leiden open variation database (see link). This variant is found in the general population with an overall allele frequency of 0.0038% (9/235666 alleles) in the Genome Aggregation Database. The glutamic acid at codon 195 is weakly conserved, and computational analyses (SIFT, PolyPhen-2) predict that this variant is tolerated. Due to limited information, the clinical significance of the p.Glu195Asp variant is uncertain at this time. References: Link to the Leiden open variation database

Natera, Inc.
Classification: Uncertain significance for Familial Mediterranean fever. Last evaluated: 2020-04-23. Review status: no assertion criteria provided. Collection method: clinical testing. Allele origin: germline. Not counted in ClinVar's aggregate classification.

NM_000243.3(MEFV):c.585G>C (p.Glu195Asp)

Gene: MEFV (MEFV innate immunity regulator, pyrin; minus strand). Cytogenetic location: 16p13.3.
Variant type: single nucleotide variant.
Coding change: c.585G>C on transcript NM_000243.3 (MANE Select); coding-DNA position 585, G replaced by C.
Protein change: p.Glu195Asp; replaces glutamic acid 195 with aspartic acid.
Molecular consequence: missense variant. On other transcripts: intron variant (1).
Genome position (GRCh38, 1-based): chr16:3,254,483, C>G on the plus strand (G>C on the coding strand, the complement: MEFV is on the minus strand). VCF-style: chr16-3254483-C-G. GRCh37 (hg19) VCF-style: chr16-3304483-C-G.
Other names: c.277+1828G>C (NM_001198536.2); short protein forms E195D.
Identifiers: ClinVar variation 995595 (VCV000995595.11), dbSNP rs200766991, ClinGen allele CA7860391.
Genomic context (GRCh38, chr16:3,254,483, plus strand): 5'-CCCCTGCAGCCTCCCCGCGGAGCTGGCGTTTCTGCGCAGCCGGACCTCGGCCTGGCCCCC[C>G]TCTAGCGCCCTGCAGGGGCCGGGGCTTCTCCCGCCCGGCAGGGCCGGGCTCCGGGTCCGA-3'
Protein context (NP_000234.1, residues 185-205): GRSPGPCRAL[Glu195Asp]GGQAEVRLRR